The following is an entry in ClinVar:

ClinVar aggregate classification (germline): Conflicting classifications of pathogenicity. Review status: criteria provided, conflicting classifications (1 of 4 stars). 11 submissions from 11 submitters: Uncertain significance (6); Likely benign (2). 3 of the submissions do not count toward it. Last evaluated 2026-09-21.

Conditions:
TTN-related disorder. Also called: TTN-related disorders; TTN-related condition; TTN-related disease.
Dilated cardiomyopathy 1G (CMD1G). Identifiers: Orphanet 154, MedGen C1858763, MONDO:0011400, OMIM 604145.
Autosomal recessive limb-girdle muscular dystrophy type 2J (LGMDR10). Also called: Limb-girdle muscular dystrophy, type 2J; MUSCULAR DYSTROPHY, LIMB-GIRDLE, AUTOSOMAL RECESSIVE 10. Identifiers: Orphanet 140922, MedGen C1837342, MONDO:0012127, OMIM 608807.

Allele frequency attached by ClinVar (database versions not stated): gnomAD exomes 0.00003 and 0.00002; gnomAD 0.00002 and 0.00001; TOPMed 0.00005; ExAC 0.00002.

Submissions (11):

Molecular Diagnostic Laboratory for Inherited Cardiovascular Disease, Montreal Heart Institute
Classification: Likely benign. Last evaluated: 2026-09-21. Review status: criteria provided, single submitter. Criteria: ACMG Guidelines, 2015. Collection method: clinical testing. Allele origin: germline. Affected: no.

Genomic Medicine Center of Excellence, King Faisal Specialist Hospital and Research Centre
Classification: Uncertain significance for Dilated cardiomyopathy 1G. Last evaluated: 2025-09-10. Review status: criteria provided, single submitter. Criteria: ACMG Guidelines, 2015. Collection method: clinical testing. Allele origin: germline.

PreventionGenetics, part of Exact Sciences
Classification: Uncertain significance for TTN-related condition. Last evaluated: 2025-07-10. Review status: criteria provided, single submitter. Criteria: ACMG Guidelines, 2015. Collection method: clinical testing. Allele origin: germline.
Comment: The TTN c.94880T>C variant is predicted to result in the amino acid substitution p.Ile31627Thr. To our knowledge, this variant has not been reported in the literature. This variant is reported in 0.0036% of alleles in individuals of European (Non-Finnish) descent in gnomAD. At this time, the clinical significance of this variant is uncertain due to the absence of conclusive functional and genetic evidence.

Blueprint Genetics
Classification: Likely benign. Last evaluated: 2021-08-10. Review status: criteria provided, single submitter. Criteria: ACMG Guidelines, 2015. Collection method: clinical testing. Allele origin: germline.

GeneDx
Classification: Uncertain significance. Last evaluated: 2021-07-15. Review status: criteria provided, single submitter. Criteria: GeneDx Variant Classification Process June 2021. Collection method: clinical testing. Allele origin: germline. Affected: yes.
Comment: Not observed at significant frequency in large population cohorts (Lek et al., 2016); Missense variant in a gene in which most reported pathogenic variants are truncating/loss-of-function

Revvity Omics, Revvity
Classification: Uncertain significance. Last evaluated: 2020-09-24. Review status: criteria provided, single submitter. Criteria: ACMG Guidelines, 2015. Collection method: clinical testing. Allele origin: germline.

Labcorp Genetics (formerly Invitae), Labcorp
Classification: Uncertain significance for Dilated cardiomyopathy 1G; Autosomal recessive limb-girdle muscular dystrophy type 2J. Last evaluated: 2016-12-15. Review status: criteria provided, single submitter. Criteria: Invitae Variant Classification Sherloc (09022015). Collection method: clinical testing. Allele origin: germline.

Breakthrough Genomics
Classification: Uncertain significance. Review status: criteria provided, single submitter. Criteria: ACMG Guidelines, 2015. Collection method: not provided. Allele origin: germline. Inheritance: Autosomal recessive inheritance. Affected: yes.

Clinical Genetics, Academic Medical Center
Classification: Uncertain significance. Review status: no assertion criteria provided. Collection method: clinical testing. Allele origin: germline. Affected: yes. Study: VKGL Data-share Consensus. Not counted in ClinVar's aggregate classification.

Diagnostic Laboratory, Department of Genetics, University Medical Center Groningen
Classification: Uncertain significance. Review status: no assertion criteria provided. Collection method: clinical testing. Allele origin: germline. Affected: yes. Study: VKGL Data-share Consensus. Not counted in ClinVar's aggregate classification.

Genome Diagnostics Laboratory, University Medical Center Utrecht
Classification: Uncertain significance. Review status: no assertion criteria provided. Collection method: clinical testing. Allele origin: germline. Affected: yes. Study: VKGL Data-share Consensus. Not counted in ClinVar's aggregate classification.

NM_001267550.2(TTN):c.94880T>C (p.Ile31627Thr)

Genes: TTN (titin; minus strand), TTN-AS1 (TTN antisense RNA 1; plus strand). Cytogenetic location: 2q31.2.
Variant type: single nucleotide variant.
Coding change: c.94880T>C on transcript NM_001267550.2 (MANE Select); coding-DNA position 94880, T replaced by C.
Protein change: p.Ile31627Thr; replaces isoleucine 31627 with threonine.
Molecular consequence: missense variant.
Genome position (GRCh38, 1-based): chr2:178,546,451, A>G on the plus strand (T>C on the coding strand, the complement: TTN is on the minus strand). VCF-style: chr2-178546451-A-G. GRCh37 (hg19) VCF-style: chr2-179411178-A-G.
Other names: c.89957T>C, p.Ile29986Thr (NM_001256850.1); c.67685T>C, p.Ile22562Thr (NM_003319.4); c.87176T>C, p.Ile29059Thr (NM_133378.4); c.68060T>C, p.Ile22687Thr (NM_133432.3); c.68261T>C, p.Ile22754Thr (NM_133437.4); short protein forms I31627T, I29059T, I22687T, I22754T, I22562T, I29986T.
Identifiers: ClinVar variation 404930 (VCV000404930.18), dbSNP rs751714990, ClinGen allele CA1987051.